The following is an entry in ClinVar:

ClinVar aggregate classification (germline): Uncertain significance. Review status: criteria provided, multiple submitters, no conflicts (2 of 4 stars). 2 submissions from 2 submitters: Uncertain significance (2). Last evaluated 2025-12-15.

Conditions:
POU6F2-related disorder. Also called: POU6F2-related condition.

Allele frequency attached by ClinVar (database versions not stated): gnomAD exomes 0.00004; ExAC 0.00001; gnomAD 0.00002; TOPMed 0.00002.
gnomAD v4.1: 59 of 1,613,162 alleles (0.0037%); highest among the groups gnomAD compares: Non-Finnish European, 0.0047%; no homozygotes.

Submissions (2):

Ambry Genetics
Classification: Uncertain significance. Last evaluated: 2025-12-15. Review status: criteria provided, single submitter. Criteria: Ambry Variant Classification Scheme 2023. Collection method: clinical testing. Allele origin: germline.

PreventionGenetics, part of Exact Sciences
Classification: Uncertain significance for POU6F2-related condition. Last evaluated: 2023-08-25. Review status: criteria provided, single submitter. Criteria: ACMG Guidelines, 2015. Collection method: clinical testing. Allele origin: germline.
Comment: The POU6F2 c.1454G>A variant is predicted to result in the amino acid substitution p.Arg485Gln. To our knowledge, this variant has not been reported in the literature. This variant is reported in 0.0055% of alleles in individuals of East Asian descent in gnomAD. At this time, the clinical significance of this variant is uncertain due to the absence of conclusive functional and genetic evidence.

NM_001370959.1(POU6F2):c.1541G>A (p.Arg514Gln)

Gene: POU6F2 (POU class 6 homeobox 2; plus strand). Cytogenetic location: 7p14.1.
Variant type: single nucleotide variant.
Coding change: c.1541G>A on transcript NM_001370959.1 (MANE Select); coding-DNA position 1541, G replaced by A.
Protein change: p.Arg514Gln; replaces arginine 514 with glutamine.
Molecular consequence: missense variant.
Genome position (GRCh38, 1-based): chr7:39,460,598, G>A. VCF-style: chr7-39460598-G-A. GRCh37 (hg19) VCF-style: chr7-39500197-G-A.
Other names: c.1454G>A, p.Arg485Gln (NM_001166018.2, NM_007252.4); short protein forms R485Q, R514Q.
Identifiers: ClinVar variation 2636728 (VCV002636728.2), dbSNP rs761906616, ClinGen allele CA4227843.